The following is an entry in ClinVar:

ClinVar aggregate classification (germline): Likely pathogenic (1 of 4 stars; one submission).

Conditions:
Marfan syndrome (MFS). Also called: MARFAN SYNDROME, TYPE I; Marfan syndrome type 1; Marfan's syndrome; Marfan syndrome, classic; FBN1-Related Marfan Syndrome. Identifiers: Orphanet 284963, Orphanet 558, MedGen C0024796, MONDO:0007947, OMIM 154700.

Submission:

MVZ Medizinische Genetik Mainz
Classification: Likely pathogenic for Marfan syndrome. Last evaluated: 2023-05-03. Review status: criteria provided, single submitter. Criteria: UK Practice Guidelines For Variant Classification V4 01 2020. Collection method: clinical testing. Allele origin: germline. Inheritance: Autosomal dominant inheritance. Affected: yes. Observed: 1 variant allele.
Comment: ACMG Criteria: PM1_STR,PM2_SUP,PP3

NM_000138.5(FBN1):c.811T>A (p.Cys271Ser)

Gene: FBN1 (fibrillin 1; minus strand). Cytogenetic location: 15q21.1.
Variant type: single nucleotide variant.
Coding change: c.811T>A on transcript NM_000138.5 (MANE Select); coding-DNA position 811, T replaced by A.
Protein change: p.Cys271Ser; replaces cysteine 271 with serine.
Molecular consequence: missense variant.
Genome position (GRCh38, 1-based): chr15:48,534,131, A>T on the plus strand (T>A on the coding strand, the complement: FBN1 is on the minus strand). VCF-style: chr15-48534131-A-T. GRCh37 (hg19) VCF-style: chr15-48826328-A-T.
Other names: c.811T>A, p.Cys271Ser (NM_001406716.1, NM_001406717.1); short protein forms C271S.
Identifiers: ClinVar variation 3068333 (VCV003068333.1), dbSNP rs1060501019, ClinGen allele CA392352506.